The following is an entry in ClinVar:

ClinVar aggregate classification (germline): Uncertain significance. Review status: criteria provided, multiple submitters, no conflicts (2 of 4 stars). 3 submissions from 3 submitters: Uncertain significance (2). 1 of the submissions does not count toward it. Last evaluated 2023-10-03.

Conditions:
Tatton-Brown-Rahman overgrowth syndrome. Also called: Tall stature-intellectual disability-facial dysmorphism syndrome; Tatton-Brown-Rahman syndrome. Identifiers: Orphanet 404443, MedGen C4014545, MONDO:0014382, OMIM 615879.
Heyn-Sproul-Jackson syndrome. Also called: MICROCEPHALY, SHORT STATURE, AND IMPAIRED INTELLECTUAL DEVELOPMENT. Identifiers: Orphanet 658595, MedGen C5231475, MONDO:0032882, OMIM 618724.
DNMT3A-related disorder. Also called: DNMT3A-related condition; DNMT3A-related disorders.

Allele frequency attached by ClinVar (database versions not stated): gnomAD 0.00001.
gnomAD v4.1: 2 of 1,613,854 alleles (0.00012%); highest among the groups gnomAD compares: South Asian, 0.0011%; no homozygotes.

Submissions (3):

Labcorp Genetics (formerly Invitae), Labcorp
Classification: Uncertain significance for Tatton-Brown-Rahman overgrowth syndrome. Last evaluated: 2023-10-03. Review status: criteria provided, single submitter. Criteria: Invitae Variant Classification Sherloc (09022015). Collection method: clinical testing. Allele origin: germline.
Comment: This sequence change replaces valine, which is neutral and non-polar, with isoleucine, which is neutral and non-polar, at codon 687 of the DNMT3A protein (p.Val687Ile). This variant is present in population databases (no rsID available, gnomAD 0.007%). This variant has not been reported in the literature in individuals affected with DNMT3A-related conditions. ClinVar contains an entry for this variant (Variation ID: 1339120). Advanced modeling of protein sequence and biophysical properties (such as structural, functional, and spatial information, amino acid conservation, physicochemical variation, residue mobility, and thermodynamic stability) performed at Invitae indicates that this missense variant is not expected to disrupt DNMT3A protein function. In summary, the available evidence is currently insufficient to determine the role of this variant in disease. Therefore, it has been classified as a Variant of Uncertain Significance.

Neuberg Centre For Genomic Medicine, NCGM
Classification: Uncertain significance for Heyn-Sproul-Jackson syndrome. Review status: criteria provided, single submitter. Criteria: ACMG Guidelines, 2015. Collection method: clinical testing. Allele origin: germline. Affected: yes.
Comment: The missense variant p.V687I in DNMT3A (NM_175629.2) has not been reported previously as a pathogenic variant nor as a benign variant, to our knowledge. The p.V687I variant is novel (not in any individuals) in gnomAD Exomes and is novel (not in any individuals) in 1000 Genomes. In silico predictions are contradictory (SIFT-Tolerated, Polyphen-2-Damaging) and the residue is conserved across species. For these reasons, this variant has been classified as Uncertain Significance.

PreventionGenetics, part of Exact Sciences
Classification: Uncertain significance for DNMT3A-related condition. Last evaluated: 2024-07-05. Review status: no assertion criteria provided. Collection method: clinical testing. Allele origin: germline. Not counted in ClinVar's aggregate classification.
Comment: The DNMT3A c.2059G>A variant is predicted to result in the amino acid substitution p.Val687Ile. To our knowledge, this variant has not been reported in the literature. This variant is reported in 0.0065% of alleles in individuals of European (Non-Finnish) descent in gnomAD. At this time, the clinical significance of this variant is uncertain due to the absence of conclusive functional and genetic evidence.

NM_022552.5(DNMT3A):c.2059G>A (p.Val687Ile)

Gene: DNMT3A (DNA methyltransferase 3 alpha; minus strand). Cytogenetic location: 2p23.3.
Variant type: single nucleotide variant.
Coding change: c.2059G>A on transcript NM_022552.5 (MANE Select); coding-DNA position 2059, G replaced by A.
Protein change: p.Val687Ile; replaces valine 687 with isoleucine.
Molecular consequence: missense variant. On other transcripts: non-coding transcript variant (1).
Genome position (GRCh38, 1-based): chr2:25,241,585, C>T on the plus strand (G>A on the coding strand, the complement: DNMT3A is on the minus strand). VCF-style: chr2-25241585-C-T. GRCh37 (hg19) VCF-style: chr2-25464454-C-T.
Other names: c.1603G>A, p.Val535Ile (NM_001320893.1); c.1390G>A, p.Val464Ile (NM_001375819.1); c.1492G>A, p.Val498Ile (NM_153759.3); c.2059G>A, p.Val687Ile (NM_175629.2); c.[2059G>A] (NM_175629.2); short protein forms V464I, V498I, V535I, V687I.
Identifiers: ClinVar variation 1339120 (VCV001339120.8), dbSNP rs1183198167, ClinGen allele CA346071193.
Genomic context (GRCh38, chr2:25,241,585, plus strand): 5'-AGGGGAAGACGGGCTGCGCCCCACAGCATGGACATACATGCTTCTGTGTGACGCTGCGGA[C>T]GTCCCCGACGTACATGATCTTCCCCTGGTGCCGCACCATGCCCACCGTGATGGAGTCCTC-3'
Protein context (NP_072046.2, residues 677-697): HQGKIMYVGD[Val687Ile]RSVTQKHIQE